The following is an entry in ClinVar:

ClinVar aggregate classification (germline): Uncertain significance (1 of 4 stars; one submission).

Conditions:
Inborn genetic diseases. Identifiers: MedGen C0950123, MeSH D030342.

Submission:

Ambry Genetics
Classification: Uncertain significance for Inborn genetic diseases. Last evaluated: 2026-02-28. Review status: criteria provided, single submitter. Criteria: Ambry Variant Classification Scheme 2023. Collection method: clinical testing. Allele origin: germline.
Comment: The p.S848T variant (also known as c.2543G>C), located in coding exon 1 of the SAMD9L gene, results from a G to C substitution at nucleotide position 2543. The serine at codon 848 is replaced by threonine, an amino acid with similar properties. This amino acid position is conserved. In addition, this alteration is predicted to be tolerated by in silico analysis. Based on the available evidence, the clinical significance of this variant remains unclear.

NM_152703.5(SAMD9L):c.2543G>C (p.Ser848Thr)

Gene: SAMD9L (sterile alpha motif domain containing 9 like; minus strand). Cytogenetic location: 7q21.2.
Variant type: single nucleotide variant.
Coding change: c.2543G>C on transcript NM_152703.5 (MANE Select); coding-DNA position 2543, G replaced by C.
Protein change: p.Ser848Thr; replaces serine 848 with threonine.
Molecular consequence: missense variant.
Genome position (GRCh38, 1-based): chr7:93,133,429, C>G on the plus strand (G>C on the coding strand, the complement: SAMD9L is on the minus strand). VCF-style: chr7-93133429-C-G. GRCh37 (hg19) VCF-style: chr7-92762742-C-G.
Other names: c.2543G>C, p.Ser848Thr (NM_001303496.3, NM_001303497.3, NM_001303498.3 and 5 more transcripts); short protein forms S848T.
Identifiers: ClinVar variation 4826179 (VCV004826179.1).